The following is an entry in ClinVar:

ClinVar aggregate classification (germline): Likely pathogenic (1 of 4 stars; one submission).

Conditions:
Hereditary cancer-predisposing syndrome. Also called: Hereditary Cancer Syndrome; Hereditary neoplastic syndrome; Neoplastic Syndromes, Hereditary; Tumor predisposition. Identifiers: Orphanet 140162, MedGen C0027672, MeSH D009386, MONDO:0015356.

Submission:

Ambry Genetics
Classification: Likely pathogenic for Hereditary cancer-predisposing syndrome. Last evaluated: 2023-07-21. Review status: criteria provided, single submitter. Criteria: Ambry Variant Classification Scheme 2023. Collection method: clinical testing. Allele origin: germline.
Comment: The c.5763-18_5772del28 variant results from a deletion of 28 nucleotides between positions c.5763-18 to c.5772 and involves the canonical splice acceptor site before coding exon 38 of the ATM gene. The nucleotide positions at this acceptor site are highly conserved in available vertebrate species. Alterations that disrupt the canonical splice site are expected to result in aberrant splicing. In silico splice site analysis predicts that this alteration will weaken the native splice acceptor site. The resulting transcript is predicted to be in-frame and is not expected to trigger nonsense-mediated mRNAdecay; however, direct evidence is unavailable. The exact functional effect of the altered amino acid sequence is unknown; however, and the impacted region is critical for protein function (Ambry internal data). This variant is considered to be rare based on population cohorts in the Genome Aggregation Database (gnomAD). Based on the majority of available evidence to date, this variant is likely to be pathogenic.

NM_000051.4(ATM):c.5763-18_5772del

Genes: ATM (ATM serine/threonine kinase; plus strand), C11orf65 (chromosome 11 open reading frame 65; minus strand). Cytogenetic location: 11q22.3.
Variant type: Deletion.
Coding change: c.5763-18_5772del on transcript NM_000051.4 (MANE Select); 18 bases into the intron before coding-DNA position 5763 through coding-DNA position 5772, 28 bases deleted (TATCTCATTTTTCTTTAGACCTTCTTCA).
Molecular consequence: splice acceptor variant. On other transcripts: intron variant (2).
Genome position (GRCh38, 1-based): chr11:108,310,142-108,310,169, TATCTCATTTTTCTTTAGACCTTCTTCA deleted; deleting any 28 consecutive bases within chr11:108,310,141-108,310,169 gives the same sequence; the c. name uses the placement nearest the transcript's 3' end. VCF-style (leftmost placement, unchanged base first): chr11-108310140-TATATCTCATTTTTCTTTAGACCTTCTTC-T. GRCh37 (hg19) VCF-style: chr11-108180867-TATATCTCATTTTTCTTTAGACCTTCTTC-T.
Other names: c.5763-18_5772del (NM_001351834.2); c.641-1097_641-1070del (NM_001330368.2); c.*39-1097_*39-1070del (NM_001351110.2).
Identifiers: ClinVar variation 2587785 (VCV002587785.2), dbSNP rs2547025082, ClinGen allele CA2582342458.